The following is an entry in ClinVar:

NM_001083619.3(GRIA2):c.2406+437T>G

Gene: GRIA2 (glutamate ionotropic receptor AMPA type subunit 2; plus strand). Cytogenetic location: 4q32.1.
Variant type: single nucleotide variant.
Coding change: c.2406+437T>G on transcript NM_001083619.3 (MANE Select); 437 bases into the intron after coding-DNA position 2406, T replaced by G.
Molecular consequence: intron variant. On other transcripts: missense variant (3).
Genome position (GRCh38, 1-based): chr4:157,361,561, T>G. VCF-style: chr4-157361561-T-G. GRCh37 (hg19) VCF-style: chr4-158282713-T-G.
Other names: c.2315T>G, p.Leu772Trp (NM_000826.6); c.2174T>G, p.Leu725Trp (NM_001083620.3, NM_001379001.3); c.2265+437T>G (NM_001379000.3); short protein forms L725W, L772W.
Identifiers: ClinVar variation 1702678 (VCV001702678.2), dbSNP rs2127001887, ClinGen allele CA358650663.

ClinVar aggregate classification (germline): Uncertain significance (1 of 4 stars; one submission).

Submission:

GeneDx
Classification: Uncertain significance. Last evaluated: 2022-02-19. Review status: criteria provided, single submitter. Criteria: GeneDx Variant Classification Process June 2021. Collection method: clinical testing. Allele origin: germline. Affected: yes.
Comment: Not observed at significant frequency in large population cohorts (gnomAD); Has not been previously published as pathogenic or benign to our knowledge; In-silico analysis is inconclusive as to whether the variant alters gene splicing. In the absence of RNA/functional studies, the actual effect of this sequence change is unknown.